The following is an entry in ClinVar:

NM_017617.5(NOTCH1):c.1896_1897delinsTG (p.Thr633Ala)

Gene: NOTCH1 (notch receptor 1; minus strand). Cytogenetic location: 9q34.3.
Variant type: Indel.
Coding change: c.1896_1897delinsTG on transcript NM_017617.5 (MANE Select); coding-DNA positions 1896 to 1897, GA replaced by TG.
Protein change: p.Thr633Ala; replaces threonine 633 with alanine.
Molecular consequence: missense variant.
Genome position (GRCh38, 1-based): chr9:136,515,489-136,515,490, TC replaced by CA on the plus strand (GA replaced by TG on the coding strand, the reverse complement: NOTCH1 is on the minus strand). VCF-style: chr9-136515489-TC-CA. GRCh37 (hg19) VCF-style: chr9-139409941-TC-CA.
Other names: short protein forms T633A.
Identifiers: ClinVar variation 841227 (VCV000841227.9), dbSNP rs1843250416, ClinGen allele CA916083090.

ClinVar aggregate classification (germline): Uncertain significance. Review status: criteria provided, multiple submitters, no conflicts (2 of 4 stars). 2 submissions from 2 submitters: Uncertain significance (2). Last evaluated 2023-06-20.

Conditions:
Adams-Oliver syndrome 5 (AOS5). Identifiers: Orphanet 974, MedGen C4014970, MONDO:0014459, OMIM 616028.

Submissions (2):

GeneDx
Classification: Uncertain significance. Last evaluated: 2023-06-20. Review status: criteria provided, single submitter. Criteria: GeneDx Variant Classification Process June 2021. Collection method: clinical testing. Allele origin: germline. Affected: yes.
Comment: Not observed at significant frequency in large population cohorts (gnomAD); In silico analysis supports a deleterious effect on protein structure/function; In silico analysis is inconclusive as to whether the variant alters gene splicing. In the absence of RNA/functional studies, the actual effect of this sequence change is unknown.; Has not been previously published as pathogenic or benign to our knowledge

Labcorp Genetics (formerly Invitae), Labcorp
Classification: Uncertain significance for Adams-Oliver syndrome 5. Last evaluated: 2021-02-25. Review status: criteria provided, single submitter. Criteria: Invitae Variant Classification Sherloc (09022015). Collection method: clinical testing. Allele origin: germline.
Comment: In summary, the available evidence is currently insufficient to determine the role of this variant in disease. Therefore, it has been classified as a Variant of Uncertain Significance. This sequence change replaces threonine with alanine at codon 633 of the NOTCH1 protein (p.Thr633Ala). The threonine residue is highly conserved and there is a small physicochemical difference between threonine and alanine. This variant is not present in population databases (ExAC no frequency). This variant has not been reported in the literature in individuals with NOTCH1-related conditions. Algorithms developed to predict the effect of missense changes on protein structure and function are either unavailable or do not agree on the potential impact of this missense change (SIFT: "Deleterious"; PolyPhen-2: "Not Available"; Align-GVGD: "Class C55").